The following is an entry in ClinVar:

ClinVar aggregate classification (germline): Pathogenic. Review status: criteria provided, multiple submitters, no conflicts (2 of 4 stars). 10 submissions from 9 submitters: Pathogenic (7). 3 of the submissions do not count toward it. Last evaluated 2025-12-11.

Conditions:
GRN-related frontotemporal lobar degeneration with Tdp43 inclusions (FTD2). Also called: GRN Frontotemporal Dementia; FRONTOTEMPORAL LOBAR DEGENERATION WITH UBIQUITIN-POSITIVE INCLUSIONS; FTLD-TDP, GRN-RELATED; FRONTOTEMPORAL DEMENTIA WITH TDP43 INCLUSIONS, GRN-RELATED; DEMENTIA, HEREDITARY DYSPHASIC DISINHIBITION. Identifiers: Orphanet 100070, Orphanet 282, MedGen C1843792, MONDO:0011842, OMIM 607485. Disease mechanism: loss of function.
Neuronal ceroid lipofuscinosis 11. Also called: GRN-Related Neuronal Ceroid-Lipofuscinosis. Identifiers: Orphanet 314629, Orphanet 79262, MedGen C3539123, MONDO:0013866, OMIM 614706.
Primary progressive aphasia. Identifiers: Orphanet 95432, MedGen C0282513, MONDO:0019806.

Submissions (10):

Mayo Clinic Laboratories, Mayo Clinic
Classification: Pathogenic. Last evaluated: 2025-12-11. Review status: criteria provided, single submitter. Criteria: ACMG Guidelines, 2015. Collection method: clinical testing. Allele origin: germline. Observed: 1 variant allele.
Comment: PP1, PM2_supporting, PS3, PS4_moderate, PVS1

Labcorp Genetics (formerly Invitae), Labcorp
Classification: Pathogenic for Neuronal ceroid lipofuscinosis 11; GRN-related frontotemporal lobar degeneration with Tdp43 inclusions. Last evaluated: 2025-11-14. Review status: criteria provided, single submitter. Criteria: Invitae Variant Classification Sherloc (09022015). Collection method: clinical testing. Allele origin: germline.
Comment: This sequence change affects an acceptor splice site in intron 7 of the GRN gene. RNA analysis indicates that disruption of this splice site induces altered splicing and may result in an absent or altered protein product. This variant is not present in population databases (gnomAD no frequency). Disruption of this splice site has been observed in individuals with frontotemporal dementia (PMID: 17202431, 17439980, 18183624). It has also been observed to segregate with disease in related individuals. This variant is also known as g.5913A>G and IVS6–2A>G. ClinVar contains an entry for this variant (Variation ID: 98150). Studies have shown that disruption of this splice site results in skipping of exon 8, and produces a non-functional protein and/or introduces a premature termination codon (PMID: 17439980, 18183624). For these reasons, this variant has been classified as Pathogenic.

Institute of Human Genetics, University of Leipzig Medical Center
Classification: Pathogenic for GRN-related frontotemporal lobar degeneration with Tdp43 inclusions. Last evaluated: 2025-09-10. Review status: criteria provided, single submitter. Criteria: ACMG Guidelines, 2015. Collection method: clinical testing. Allele origin: unknown. Inheritance: Autosomal dominant inheritance. Affected: yes.
Comment: Criteria applied: PVS1,PS1,PS4_MOD,PM2

GeneDx
Classification: Pathogenic. Last evaluated: 2025-03-12. Review status: criteria provided, single submitter. Criteria: GeneDx Variant Classification Process June 2021. Collection method: clinical testing. Allele origin: germline. Affected: yes.
Comment: Canonical splice site variant demonstrated to result in a null allele in a gene for which loss of function is a known mechanism of disease (PMID: 17439980, 18183624); Identified in multiple individuals with frontotemporal dementia in published literature (PMID: 17439980, 37583427, 37118844); Not observed at significant frequency in large population cohorts (gnomAD); This variant is associated with the following publications: (PMID: 25525159, 17202431, 25943890, 24494724, 28717674, 21482928, 34103532, 30599136, 25658633, 27258413, 28473694, 20142524, 17439980, 18183624, 35260199, 37583427, 38037070, 37118844, 24479957)

CeGaT Center for Human Genetics Tuebingen
Classification: Pathogenic. Last evaluated: 2025-02-01. Review status: criteria provided, single submitter. Criteria: CeGaT Center For Human Genetics Tuebingen Variant Classification Criteria Version 2. Collection method: clinical testing. Allele origin: germline. Affected: yes. Observed: 1 variant allele.
Comment: GRN: PVS1, PP1:Strong, PM2, PS4:Moderate, PS3:Supporting

Institute of Medical Genetics and Applied Genomics, University Hospital Tübingen
Classification: Pathogenic. Last evaluated: 2020-10-23. Review status: criteria provided, single submitter. Criteria: ACMG Guidelines, 2015. Collection method: clinical testing. Allele origin: germline. Inheritance: Unknown mechanism. Affected: yes.

Institute of Human Genetics Munich, TUM University Hospital
Classification: Pathogenic for GRN-related frontotemporal lobar degeneration with Tdp43 inclusions. Last evaluated: 2019-06-07. Review status: criteria provided, single submitter. Criteria: Classification criteria August 2017. Collection method: clinical testing. Allele origin: de novo, germline. Inheritance: Autosomal dominant inheritance. Affected: yes. Observed: 3 heterozygotes.

OMIM
Classification: Pathogenic for FRONTOTEMPORAL DEMENTIA 2. Last evaluated: 2008-04-01. Review status: no assertion criteria provided. Collection method: literature only. Allele origin: germline. Not counted in ClinVar's aggregate classification.

OMIM
Classification: Pathogenic for APHASIA, PRIMARY PROGRESSIVE. Last evaluated: 2007-09-11. Review status: no assertion criteria provided. Collection method: literature only. Allele origin: germline. Not counted in ClinVar's aggregate classification.

VIB  Department of Molecular Genetics, University of Antwerp
No classification provided. Review status: no classification provided. Collection method: not provided. Allele origin: unknown. Not counted in ClinVar's aggregate classification.

Literature cited by the submitters: PubMed 17202431 (cited by Mayo Clinic Laboratories, Mayo Clinic and Labcorp Genetics (formerly Invitae), Labcorp); PubMed 18183624 (cited by 3 submitters); PubMed 35260199 (cited by Mayo Clinic Laboratories, Mayo Clinic); PubMed 37583427 (cited by Mayo Clinic Laboratories, Mayo Clinic); PubMed 17439980 (cited by Labcorp Genetics (formerly Invitae), Labcorp); PubMed 6497355 (cited by OMIM); PubMed 17522386 (cited by OMIM).

NM_002087.4(GRN):c.709-2A>G

Genes: GRN (granulin precursor; plus strand), LOC125177489 (Sharpr-MPRA regulatory region 15390; plus strand). Cytogenetic location: 17q21.31.
Variant type: single nucleotide variant.
Coding change: c.709-2A>G on transcript NM_002087.4 (MANE Select); the canonical splice acceptor site of the intron before coding-DNA position 709, A replaced by G.
Molecular consequence: splice acceptor variant.
Genome position (GRCh38, 1-based): chr17:44,351,035, A>G. VCF-style: chr17-44351035-A-G. GRCh37 (hg19) VCF-style: chr17-42428403-A-G.
Other names: IVS7AS, A-G, -2; IVS6AS, A-G, -2.
Identifiers: ClinVar variation 98150 (VCV000098150.27), dbSNP rs63750548, ClinGen allele CA225270.